The following is an entry in ClinVar:

NM_003482.4(KMT2D):c.7570_7573dup (p.Gly2525fs)

Gene: KMT2D (lysine methyltransferase 2D; minus strand). Cytogenetic location: 12q13.12.
Variant type: Duplication.
Coding change: c.7570_7573dup on transcript NM_003482.4 (MANE Select); coding-DNA positions 7570 to 7573, 4 bases duplicated (ACGG; older notation c.7570_7573dupACGG).
Protein change: p.Gly2525fs; shifts the reading frame from glycine 2525.
Molecular consequence: frameshift variant.
Genome position (GRCh38, 1-based): chr12:49,040,197-49,040,200, CCGT duplicated on the plus strand (ACGG on the coding strand, the reverse complement: KMT2D is on the minus strand); duplicating any 4 consecutive bases within chr12:49,040,197-49,040,202 gives the same sequence; the c. name uses the placement nearest the transcript's 3' end. VCF-style (leftmost placement, unchanged base first): chr12-49040196-C-CCCGT. GRCh37 (hg19) VCF-style: chr12-49433979-C-CCCGT.
Other names: short protein forms G2525fs.
Identifiers: ClinVar variation 2021037 (VCV002021037.4), dbSNP rs2498395997, ClinGen allele CA2580086349.

ClinVar aggregate classification (germline): Pathogenic (1 of 4 stars; one submission).

Conditions:
Kabuki syndrome. Also called: Kabuki make-up syndrome; NIIKAWA-KUROKI SYNDROME. Identifiers: Orphanet 2322, MedGen C0796004, MONDO:0016512.

Submission:

Labcorp Genetics (formerly Invitae), Labcorp
Classification: Pathogenic for Kabuki syndrome. Last evaluated: 2022-08-02. Review status: criteria provided, single submitter. Criteria: Invitae Variant Classification Sherloc (09022015). Collection method: clinical testing. Allele origin: germline.
Comment: This variant is not present in population databases (gnomAD no frequency). This variant has not been reported in the literature in individuals affected with KMT2D-related conditions. For these reasons, this variant has been classified as Pathogenic. This sequence change creates a premature translational stop signal (p.Gly2525Aspfs*131) in the KMT2D gene. It is expected to result in an absent or disrupted protein product. Loss-of-function variants in KMT2D are known to be pathogenic (PMID: 22126750).

Literature cited by the submitters: PubMed 22126750.